The following is an entry in ClinVar:

ClinVar aggregate classification (germline): Likely benign. Review status: criteria provided, single submitter (1 of 4 stars). 2 submissions from 2 submitters: Likely benign (1). 1 of the submissions does not count toward it. Last evaluated 2024-10-25.

Conditions:
CAD-related disorder. Also called: CAD-related condition.

Allele frequency attached by ClinVar (database versions not stated): gnomAD 0.00001; gnomAD exomes 0.00001.
gnomAD v4.1: 20 of 1,614,020 alleles (0.0012%); highest among the groups gnomAD compares: East Asian, 0.016%; no homozygotes.

Submissions (2):

Labcorp Genetics (formerly Invitae), Labcorp
Classification: Likely benign. Last evaluated: 2024-10-25. Review status: criteria provided, single submitter. Criteria: Invitae Variant Classification Sherloc (09022015). Collection method: clinical testing. Allele origin: germline.

PreventionGenetics, part of Exact Sciences
Classification: Likely benign for CAD-related condition. Last evaluated: 2021-04-07. Review status: no assertion criteria provided. Collection method: clinical testing. Allele origin: germline. Not counted in ClinVar's aggregate classification.
Comment: This variant is classified as likely benign based on ACMG/AMP sequence variant interpretation guidelines (Richards et al. 2015 PMID: 25741868, with internal and published modifications).

NM_004341.5(CAD):c.3015C>T (p.Leu1005=)

Gene: CAD (carbamoyl-phosphate synthetase 2, aspartate transcarbamylase, and dihydroorotase; plus strand). Cytogenetic location: 2p23.3.
Variant type: single nucleotide variant.
Coding change: c.3015C>T on transcript NM_004341.5 (MANE Select); coding-DNA position 3015, C replaced by T.
Protein change: p.Leu1005=; no amino-acid change (leucine 1005 retained).
Molecular consequence: synonymous variant.
Genome position (GRCh38, 1-based): chr2:27,233,335, C>T. VCF-style: chr2-27233335-C-T. GRCh37 (hg19) VCF-style: chr2-27456203-C-T.
Other names: c.3015C>T (NM_004341.4); c.2826C>T, p.Leu942= (NM_001306079.2).
Identifiers: ClinVar variation 1953349 (VCV001953349.7), dbSNP rs777357147, ClinGen allele CA425598944.
Genomic context (GRCh38, chr2:27,233,335, plus strand): 5'-TTTGCTGCCACCACTTGTTTCTCCCCCTGCAACGTAGGTGGTGATGGACATCTATGAGCT[C>T]GAGAACCCTGAAGGTGTGATCCTATCCATGGGTGGACAGCTGCCCAACAACATGGCCATG-3'
Protein context (NP_004332.2, residues 995-1015): SFEVVMDIYE[Leu1005=]ENPEGVILSM